The following is an entry in ClinVar:

ClinVar aggregate classification (germline): Pathogenic/Likely pathogenic. Review status: criteria provided, multiple submitters, no conflicts (2 of 4 stars). 2 submissions from 2 submitters: Pathogenic (1); Likely pathogenic (1). Last evaluated 2026-04-08.

Conditions:
Methylmalonic aciduria due to methylmalonyl-CoA mutase deficiency (MAMM). Also called: Methylmalonic aciduria, mut type. Identifiers: Orphanet 27, MedGen C1855114, MONDO:0009612, OMIM 251000.

Allele frequency attached by ClinVar (database versions not stated): gnomAD 0.00001; gnomAD exomes 0.00001.
gnomAD v4.1: 7 of 1,613,822 alleles (0.00043%); highest among the groups gnomAD compares: African/African-American, 0.0013%; no homozygotes.

Submissions (2):

Myriad Genetics, Inc.
Classification: Likely pathogenic for Methylmalonic aciduria due to methylmalonyl-CoA mutase deficiency. Last evaluated: 2026-04-08. Review status: criteria provided, single submitter. Criteria: Myriad Autosomal Dominant, Autosomal Recessive and X-Linked Classification Criteria (2023). Collection method: clinical testing. Allele origin: unknown.
Comment: NM_000255.3(MMUT):c.1956+1G>A is a variant in a canonical splice site classified as likely pathogenic in the context of methylmalonic acidemia, MMUT-related. c.1956+1G>A has been observed in a case with relevant disease (PMID: 16281286). Relevant functional assessments of this variant are not available in the literature. c.1956+1G>A has been observed in referenced population frequency databases. In summary, NM_000255.3(MMUT):c.1956+1G>A is a variant in a canonical splice site in a gene where loss of function is a known mechanism of disease, is predicted to disrupt protein function, and has been observed more frequently in cases with the relevant disease than in healthy populations. Please note: this variant was assessed in the context of healthy population screening.

Labcorp Genetics (formerly Invitae), Labcorp
Classification: Pathogenic. Last evaluated: 2023-11-21. Review status: criteria provided, single submitter. Criteria: Invitae Variant Classification Sherloc (09022015). Collection method: clinical testing. Allele origin: germline.
Comment: This sequence change affects a donor splice site in intron 11 of the MUT gene. It is expected to disrupt RNA splicing. Variants that disrupt the donor or acceptor splice site typically lead to a loss of protein function (PMID: 16199547), and loss-of-function variants in MUT are known to be pathogenic (PMID: 15781192). This variant is present in population databases (no rsID available, gnomAD 0.007%). Disruption of this splice site has been observed in individual(s) with methylmalonic acidemia (PMID: 16281286). Algorithms developed to predict the effect of sequence changes on RNA splicing suggest that this variant may disrupt the consensus splice site. For these reasons, this variant has been classified as Pathogenic.

Literature cited by the submitters: PubMed 16281286 (cited by Myriad Genetics, Inc. and Labcorp Genetics (formerly Invitae), Labcorp); PubMed 16199547 (cited by Labcorp Genetics (formerly Invitae), Labcorp); PubMed 15781192 (cited by Labcorp Genetics (formerly Invitae), Labcorp).

NM_000255.4(MMUT):c.1956+1G>A

Gene: MMUT (methylmalonyl-CoA mutase; minus strand). Cytogenetic location: 6p12.3.
Variant type: single nucleotide variant.
Coding change: c.1956+1G>A on transcript NM_000255.4 (MANE Select); the canonical splice donor site of the intron after coding-DNA position 1956, G replaced by A.
Molecular consequence: splice donor variant.
Genome position (GRCh38, 1-based): chr6:49,440,205, C>T on the plus strand (G>A on the coding strand, the complement: MMUT is on the minus strand). VCF-style: chr6-49440205-C-T. GRCh37 (hg19) VCF-style: chr6-49407918-C-T.
Identifiers: ClinVar variation 2734886 (VCV002734886.4), dbSNP rs1487802284, ClinGen allele CA364394820.